The following is an entry in ClinVar:

ClinVar aggregate classification (germline): Likely benign. Review status: criteria provided, single submitter (1 of 4 stars). 2 submissions from 2 submitters: Likely benign (1). 1 of the submissions does not count toward it. Last evaluated 2025-08-21.

Conditions:
HECW2-related disorder. Also called: HECW2-related condition.
Inborn genetic diseases. Identifiers: MedGen C0950123, MeSH D030342.

Allele frequency attached by ClinVar (database versions not stated): gnomAD exomes 0.00002; ExAC 0.00009; gnomAD 0.00022; TOPMed 0.00022; ESP Exome Variant Server 0.00023; 1000 Genomes Project 30x 0.00031; 1000 Genomes Project 0.00040.

Submissions (2):

Ambry Genetics
Classification: Likely benign for Inborn genetic diseases. Last evaluated: 2025-08-21. Review status: criteria provided, single submitter. Criteria: Ambry Variant Classification Scheme 2023. Collection method: clinical testing. Allele origin: germline.

PreventionGenetics, part of Exact Sciences
Classification: Likely benign for HECW2-related condition. Last evaluated: 2020-03-18. Review status: no assertion criteria provided. Collection method: clinical testing. Allele origin: germline. Not counted in ClinVar's aggregate classification.
Comment: This variant is classified as likely benign based on ACMG/AMP sequence variant interpretation guidelines (Richards et al. 2015 PMID: 25741868, with internal and published modifications).

NM_001348768.2(HECW2):c.2705A>G (p.Asn902Ser)

Gene: HECW2 (HECT, C2 and WW domain containing E3 ubiquitin protein ligase 2; minus strand). Cytogenetic location: 2q32.3.
Variant type: single nucleotide variant.
Coding change: c.2705A>G on transcript NM_001348768.2 (MANE Select); coding-DNA position 2705, A replaced by G.
Protein change: p.Asn902Ser; replaces asparagine 902 with serine.
Molecular consequence: missense variant.
Genome position (GRCh38, 1-based): chr2:196,306,597, T>C on the plus strand (A>G on the coding strand, the complement: HECW2 is on the minus strand). VCF-style: chr2-196306597-T-C. GRCh37 (hg19) VCF-style: chr2-197171321-T-C.
Other names: c.1637A>G, p.Asn546Ser (NM_001304840.3); c.2705A>G, p.Asn902Ser (NM_020760.4); c.2705A>G (NM_020760.1); short protein forms N546S, N902S.
Identifiers: ClinVar variation 3046705 (VCV003046705.3), dbSNP rs61736760, ClinGen allele CA2037988.